The following is an entry in ClinVar:

ClinVar aggregate classification (germline): Uncertain significance. Review status: criteria provided, single submitter (1 of 4 stars). 2 submissions from 2 submitters: Uncertain significance (1). 1 of the submissions does not count toward it. Last evaluated 2022-09-07.

Conditions:
PCNT-related disorder. Also called: PCNT-related condition.

Submissions (2):

Labcorp Genetics (formerly Invitae), Labcorp
Classification: Uncertain significance. Last evaluated: 2022-09-07. Review status: criteria provided, single submitter. Criteria: Invitae Variant Classification Sherloc (09022015). Collection method: clinical testing. Allele origin: germline.
Comment: This sequence change falls in intron 28 of the PCNT gene. It does not directly change the encoded amino acid sequence of the PCNT protein. This variant is present in population databases (rs759946797, gnomAD 0.04%). This variant has not been reported in the literature in individuals affected with PCNT-related conditions. Algorithms developed to predict the effect of sequence changes on RNA splicing suggest that this variant may disrupt the consensus splice site. In summary, the available evidence is currently insufficient to determine the role of this variant in disease. Therefore, it has been classified as a Variant of Uncertain Significance.

PreventionGenetics, part of Exact Sciences
Classification: Likely benign for PCNT-related condition. Last evaluated: 2022-01-14. Review status: no assertion criteria provided. Collection method: clinical testing. Allele origin: germline. Not counted in ClinVar's aggregate classification.
Comment: This variant is classified as likely benign based on ACMG/AMP sequence variant interpretation guidelines (Richards et al. 2015 PMID: 25741868, with internal and published modifications).

NM_006031.6(PCNT):c.5995-12_5995-4del

Gene: PCNT (pericentrin; plus strand). Cytogenetic location: 21q22.3.
Variant type: Microsatellite.
Coding change: c.5995-12_5995-4del on transcript NM_006031.6 (MANE Select); 12 bases into the intron before coding-DNA position 5995 through 4 bases into the intron before coding-DNA position 5995, 9 bases deleted (TCCTCTGTC; older notation c.5995-12_5995-4delTCCTCTGTC).
Molecular consequence: intron variant.
Genome position (GRCh38, 1-based): chr21:46,412,825-46,412,833, TCCTCTGTC deleted; deleting any 9 consecutive bases within chr21:46,412,816-46,412,833 gives the same sequence; the c. name uses the placement nearest the transcript's 3' end. VCF-style (leftmost placement, unchanged base first): chr21-46412815-TTCCTCTGTC-T. GRCh37 (hg19) VCF-style: chr21-47832729-TTCCTCTGTC-T.
Other names: c.5641-12_5641-4del (NM_001315529.2); c.5995-12_5995-4del9 (NM_006031.5).
Identifiers: ClinVar variation 1378031 (VCV001378031.5), dbSNP rs759946797, ClinGen allele CA10080164.